The following is an entry in ClinVar:

NC_000014.8:g.(102912285_102915965)_(102968815_?)dup

Gene: TECPR2 (tectonin beta-propeller repeat containing 2; plus strand). Cytogenetic location: 14q32.31.
Variant type: Duplication.
Identifiers: ClinVar variation 4688430 (VCV004688430.1).

ClinVar aggregate classification (germline): Uncertain significance (1 of 4 stars; one submission).

Submission:

Women's Health and Genetics/Laboratory Corporation of America, LabCorp
Classification: Uncertain significance. Last evaluated: 2025-12-10. Review status: criteria provided, single submitter. Criteria: LabCorp Variant Classification Summary - May 2015. Collection method: clinical testing. Allele origin: germline.
Comment: Variant summary: The variant involves the duplication of exons 14-20 in the TECPR2 gene. A presumed nomenclature of c.(3075+1_3076-1)_(*4221_?)dup has been designated for the purposes of this classification. The exact breakpoint at the 3' end of this variant is unknown, therefore this duplication may extend downstream of the annotated region of the gene. As it duplicates the termination codon, its effect on the encoded protein is unknown. The variant was absent in 21694 control chromosomes. The available data on variant occurrences in the general population are insufficient to allow any conclusion about variant significance. To our knowledge, no occurrence of c.(3075+1_3076-1)_(*4221_?)dup in individuals affected with TECPR2-related conditions and no experimental evidence demonstrating its impact on protein function have been reported. No submitters have cited clinical-significance assessments for this variant to ClinVar. Based on the evidence outlined above, the variant was classified as uncertain significance.